The following is an entry in ClinVar:

ClinVar aggregate classification (germline): Likely benign. Review status: criteria provided, multiple submitters, no conflicts (2 of 4 stars). 2 submissions from 2 submitters: Likely benign (2). Last evaluated 2025-10-01.

Conditions:
Diffuse cerebral and cerebellar atrophy - intractable seizures - progressive microcephaly syndrome. Also called: Microcephaly, progressive, with seizures and cerebral and cerebellar atrophy. Identifiers: Orphanet 404437, MedGen C4014239, MONDO:0014335, OMIM 615760.

Allele frequency attached by ClinVar (database versions not stated): gnomAD exomes 0.00011; TOPMed 0.00013; ExAC 0.00014; gnomAD 0.00014 and 0.00015; ESP Exome Variant Server 0.00023.
gnomAD v4.1: 495 of 1,574,480 alleles (0.031%); highest among the groups gnomAD compares: Non-Finnish European, 0.038%; 1 homozygote.

Submissions (2):

Labcorp Genetics (formerly Invitae), Labcorp
Classification: Likely benign for Diffuse cerebral and cerebellar atrophy - intractable seizures - progressive microcephaly syndrome. Last evaluated: 2025-10-01. Review status: criteria provided, single submitter. Criteria: Invitae Variant Classification Sherloc (09022015). Collection method: clinical testing. Allele origin: germline.

GeneDx
Classification: Likely benign. Last evaluated: 2017-12-14. Review status: criteria provided, single submitter. Criteria: GeneDx Variant Classification (06012015). Collection method: clinical testing. Allele origin: germline. Affected: yes.
Comment: This variant is considered likely benign or benign based on one or more of the following criteria: it is a conservative change, it occurs at a poorly conserved position in the protein, it is predicted to be benign by multiple in silico algorithms, and/or has population frequency not consistent with disease.

NM_005051.3(QARS1):c.1864-15A>G

Gene: QARS1 (glutaminyl-tRNA synthetase 1; minus strand). Cytogenetic location: 3p21.31.
Variant type: single nucleotide variant.
Coding change: c.1864-15A>G on transcript NM_005051.3 (MANE Select); 15 bases into the intron before coding-DNA position 1864, A replaced by G.
Molecular consequence: intron variant.
Genome position (GRCh38, 1-based): chr3:49,098,707, T>C on the plus strand (A>G on the coding strand, the complement: QARS1 is on the minus strand). VCF-style: chr3-49098707-T-C. GRCh37 (hg19) VCF-style: chr3-49136140-T-C.
Other names: c.1831-15A>G (NM_001272073.2).
Identifiers: ClinVar variation 388059 (VCV000388059.9), dbSNP rs374530633, ClinGen allele CA2391606.
Genomic context (GRCh38, chr3:49,098,707, plus strand): 5'-CCACAGGCTGGCCCCAAGCCAGGCGCTTAAATCCTGGCTCTGGCTCCTAGAGATAGGAAG[T>C]GGGGTAGACACATGAGGCTGCAAGGGTCAAACAAGTGGGGAAGCTTCCCTACCCCCGTGT-3'